The following is an entry in ClinVar:

NM_000138.5(FBN1):c.3961A>G (p.Thr1321Ala)

Gene: FBN1 (fibrillin 1; minus strand). Cytogenetic location: 15q21.1.
Variant type: single nucleotide variant.
Coding change: c.3961A>G on transcript NM_000138.5 (MANE Select); coding-DNA position 3961, A replaced by G.
Protein change: p.Thr1321Ala; replaces threonine 1321 with alanine.
Molecular consequence: missense variant.
Genome position (GRCh38, 1-based): chr15:48,481,658, T>C on the plus strand (A>G on the coding strand, the complement: FBN1 is on the minus strand). VCF-style: chr15-48481658-T-C. GRCh37 (hg19) VCF-style: chr15-48773855-T-C.
Other names: c.3961A>G, p.Thr1321Ala (NM_001406716.1); short protein forms T1321A.
Identifiers: ClinVar variation 3386811 (VCV003386811.1).

ClinVar aggregate classification (germline): Uncertain significance (1 of 4 stars; one submission).

Conditions:
Marfan syndrome (MFS). Also called: MARFAN SYNDROME, TYPE I; Marfan syndrome type 1; Marfan's syndrome; FBN1-Related Marfan Syndrome; Marfan syndrome, classic. Identifiers: Orphanet 284963, Orphanet 558, MedGen C0024796, MONDO:0007947, OMIM 154700.

gnomAD v4.1: 1 of 1,613,774 alleles (0.000062%); highest among the groups gnomAD compares: Non-Finnish European, 0.000085%; no homozygotes.

Submission:

All of Us Research Program, National Institutes of Health
Classification: Uncertain significance for Marfan syndrome. Last evaluated: 2024-05-14. Review status: criteria provided, single submitter. Criteria: ACMG Guidelines, 2015. Collection method: clinical testing. Allele origin: germline. Inheritance: Autosomal dominant inheritance. Observed: 1 variant allele, 1 heterozygote.
Comment: This missense variant replaces threonine with alanine at codon 1321 of the FBN1 protein. Computational prediction is inconclusive regarding the impact of this variant on protein structure and function (internally defined REVEL score threshold 0.5 < inconclusive < 0.7, PMID: 27666373). To our knowledge, functional studies have not been reported for this variant. This variant has not been reported in individuals affected with FBN1-related disorders in the literature. This variant has not been identified in the general population by the Genome Aggregation Database (gnomAD). The available evidence is insufficient to determine the role of this variant in disease conclusively. Therefore, this variant is classified as a Variant of Uncertain Significance.

This study involves interpretation of variants in research participants for the purpose of population health screening. Participant phenotype was not available at the time of variant classification. Additional details can be found in publication PMID: 35346344, PMCID: PMC8962531